The following is an entry in ClinVar:

ClinVar aggregate classification (germline): Uncertain significance (1 of 4 stars; one submission).

Submission:

Women's Health and Genetics/Laboratory Corporation of America, LabCorp
Classification: Uncertain significance. Last evaluated: 2023-08-22. Review status: criteria provided, single submitter. Criteria: LabCorp Variant Classification Summary - May 2015. Collection method: clinical testing. Allele origin: germline.
Comment: Variant summary: SLC3A1 c.1518G>C (p.Lys506Asn) results in a non-conservative amino acid change in the encoded protein sequence. Five of five in-silico tools predict a damaging effect of the variant on protein function. The variant was absent in 251226 control chromosomes (gnomAD). c.1518G>C has been reported in the literature in at least one homozygous individual affected with Cystinuria (e.g., Gaildrat_2017). These data indicate that the variant may be associated with disease. To our knowledge, no experimental evidence demonstrating an impact on protein function has been reported. The following publication was ascertained in the context of this evaluation (PMID: 28717662). No submitters have reported clinical-significance assessments for this variant to ClinVar after 2014. Based on the evidence outlined above, the variant was classified as VUS-possibly pathogenic.

Literature cited by the submitters: PubMed 28717662.

NM_000341.4(SLC3A1):c.1518G>C (p.Lys506Asn)

Gene: SLC3A1 (solute carrier family 3 member 1; plus strand). Cytogenetic location: 2p21.
Variant type: single nucleotide variant.
Coding change: c.1518G>C on transcript NM_000341.4 (MANE Select); coding-DNA position 1518, G replaced by C.
Protein change: p.Lys506Asn; replaces lysine 506 with asparagine.
Molecular consequence: missense variant.
Genome position (GRCh38, 1-based): chr2:44,313,852, G>C. VCF-style: chr2-44313852-G-C. GRCh37 (hg19) VCF-style: chr2-44540991-G-C.
Other names: short protein forms K506N.
Identifiers: ClinVar variation 2581284 (VCV002581284.1), dbSNP rs2465976168, ClinGen allele CA346684785.